The following is an entry in ClinVar:

NM_001042681.2(RERE):c.3913CGGGAG[3] (p.Glu1308_Ile1309insArgGlu)

Gene: RERE (arginine-glutamic acid dipeptide repeats; minus strand). Cytogenetic location: 1p36.23.
Variant type: Microsatellite.
Coding change: c.3913CGGGAG[3] on transcript NM_001042681.2 (MANE Select); three copies in a row of the 6-base unit CGGGAG starting at c.3913; the reference has two copies in a row; one copy, 6 bases duplicated.
Protein change: p.Glu1308_Ile1309insArgGlu.
Molecular consequence: inframe insertion.
Genome position (GRCh38, 1-based): chr1:8,358,611-8,358,616, CTCCCG duplicated on the plus strand (CGGGAG on the coding strand, the reverse complement: RERE is on the minus strand); duplicating any 6 consecutive bases within chr1:8,358,611-8,358,622 gives the same sequence; the position shown is the placement nearest the transcript's 3' end. VCF-style (leftmost placement, unchanged base first): chr1-8358610-T-TCTCCCG. GRCh37 (hg19) VCF-style: chr1-8418670-T-TCTCCCG.
Other names: c.2251CGGGAG[3], p.Glu754_Ile755insArgGlu (NM_001042682.2); c.3913CGGGAG[3], p.Glu1308_Ile1309insArgGlu (NM_012102.4).
Identifiers: ClinVar variation 4690017 (VCV004690017.1).
Genomic context (GRCh38, chr1:8,358,610, plus strand): 5'-CCTCGAAGCCCGGCTTCATCCTCTCCCGCAGCTCCCGCTCTCGGATCTCCCGCTCTCGGA[T>TCTCCCG]CTCCCGCTCCCGGAGCTCCCGCTCGCGGATGGTGGGGTCGACGTTGTAGAGGCCAGGCAT-3'

ClinVar aggregate classification (germline): Uncertain significance (1 of 4 stars; one submission).

Submission:

GeneDx
Classification: Uncertain significance. Last evaluated: 2025-07-31. Review status: criteria provided, single submitter. Criteria: GeneDx Variant Classification Process June 2021. Collection method: clinical testing. Allele origin: germline. Affected: yes.
Comment: Not observed at significant frequency in large population cohorts (gnomAD); In-frame duplication of 2 amino acid(s) in a non-repeat region; Has not been previously published as pathogenic or benign to our knowledge